The following is an entry in ClinVar:

NM_205768.3(ZBTB18):c.1138A>G (p.Met380Val)

Gene: ZBTB18 (zinc finger and BTB domain containing 18; plus strand). Cytogenetic location: 1q44.
Variant type: single nucleotide variant.
Coding change: c.1138A>G on transcript NM_205768.3 (MANE Select); coding-DNA position 1138, A replaced by G.
Protein change: p.Met380Val; replaces methionine 380 with valine.
Molecular consequence: missense variant.
Genome position (GRCh38, 1-based): chr1:244,054,912, A>G. VCF-style: chr1-244054912-A-G. GRCh37 (hg19) VCF-style: chr1-244218214-A-G.
Other names: c.1111A>G, p.Met371Val (NM_001278196.2, NM_006352.5); short protein forms M371V, M380V.
Identifiers: ClinVar variation 1308423 (VCV001308423.2), dbSNP rs1227883290, ClinGen allele CA345674454.

ClinVar aggregate classification (germline): Uncertain significance (1 of 4 stars; one submission).

Submission:

GeneDx
Classification: Uncertain significance. Last evaluated: 2019-03-29. Review status: criteria provided, single submitter. Criteria: GeneDx Variant Classification Process June 2021. Collection method: clinical testing. Allele origin: germline. Affected: yes.
Comment: Not observed in large population cohorts (Lek et al., 2016); In silico analysis, which includes protein predictors and evolutionary conservation, supports that this variant does not alter protein structure/function; Has not been previously published as pathogenic or benign to our knowledge